The following is an entry in ClinVar:

ClinVar aggregate classification (germline): Uncertain significance (1 of 4 stars; one submission).

Conditions:
Hearing loss, autosomal dominant 75. Also called: DEAFNESS, AUTOSOMAL DOMINANT 75. Identifiers: MedGen C5394059, MONDO:0032911, OMIM 618778.

Submission:

Laboratory of Prof. Karen Avraham, Tel Aviv University
Classification: Uncertain significance for Hearing loss, autosomal dominant 75. Last evaluated: 2024-12-26. Review status: criteria provided, single submitter. Criteria: ACMG Guidelines, 2015. Collection method: research. Allele origin: germline. Affected: yes. Observed: 1 variant allele.
Comment: The TRAP c.5770A>G:p.(Met1924Val) heterozygous variant is predicted deleterious and not found in gnomAD.

NM_001375524.1(TRRAP):c.5791A>G (p.Met1931Val)

Gene: TRRAP (transformation/transcription domain associated protein; plus strand). Cytogenetic location: 7q22.1.
Variant type: single nucleotide variant.
Coding change: c.5791A>G on transcript NM_001375524.1 (MANE Select); coding-DNA position 5791, A replaced by G.
Protein change: p.Met1931Val; replaces methionine 1931 with valine.
Molecular consequence: missense variant.
Genome position (GRCh38, 1-based): chr7:98,955,158, A>G. VCF-style: chr7-98955158-A-G. GRCh37 (hg19) VCF-style: chr7-98552781-A-G.
Other names: DFNA75; c.5770A>G, p.Met1924Val (NM_001244580.2); c.5716A>G, p.Met1906Val (NM_003496.4); short protein forms M1906V, M1924V, M1931V.
Identifiers: ClinVar variation 3393409 (VCV003393409.1).